The following is an entry in ClinVar:

NM_006514.4(SCN10A):c.3757C>A (p.Arg1253Ser)

Gene: SCN10A (sodium voltage-gated channel alpha subunit 10; minus strand). Cytogenetic location: 3p22.2.
Variant type: single nucleotide variant.
Coding change: c.3757C>A on transcript NM_006514.4 (MANE Select); coding-DNA position 3757, C replaced by A.
Protein change: p.Arg1253Ser; replaces arginine 1253 with serine.
Molecular consequence: missense variant.
Genome position (GRCh38, 1-based): chr3:38,714,005, G>T on the plus strand (C>A on the coding strand, the complement: SCN10A is on the minus strand). VCF-style: chr3-38714005-G-T. GRCh37 (hg19) VCF-style: chr3-38755496-G-T.
Other names: c.3754C>A, p.Arg1252Ser (NM_001293306.2); c.3463C>A, p.Arg1155Ser (NM_001293307.2); short protein forms R1253S, R1155S, R1252S.
Identifiers: ClinVar variation 1734606 (VCV001734606.3), dbSNP rs145909172, ClinGen allele CA2320132.

ClinVar aggregate classification (germline): Uncertain significance (1 of 4 stars; one submission).

Conditions:
Cardiovascular phenotype. Identifiers: MedGen CN230736.

Allele frequency attached by ClinVar (database versions not stated): ESP Exome Variant Server 0.00008.
gnomAD v4.1: 1 of 1,614,016 alleles (0.000062%); highest among the groups gnomAD compares: African/African-American, 0.0013%; no homozygotes.

Submission:

Ambry Genetics
Classification: Uncertain significance for Cardiovascular phenotype. Last evaluated: 2024-12-20. Review status: criteria provided, single submitter. Criteria: Ambry Variant Classification Scheme 2023. Collection method: clinical testing. Allele origin: germline.
Comment: The p.R1253S variant (also known as c.3757C>A), located in coding exon 21 of the SCN10A gene, results from a C to A substitution at nucleotide position 3757. The arginine at codon 1253 is replaced by serine, an amino acid with dissimilar properties. This amino acid position is highly conserved in available vertebrate species. In addition, this alteration is predicted to be deleterious by in silico analysis. The evidence for this gene-disease relationship is limited; therefore, the clinical significance of this alteration is unclear.